The following is an entry in ClinVar:

ClinVar aggregate classification (germline): Uncertain significance (1 of 4 stars; one submission).

Conditions:
Autosomal recessive limb-girdle muscular dystrophy type R18 (LGMDR18). Also called: Limb-girdle muscular dystrophy, type 2S; Autosomal recessive limb-girdle muscular dystrophy type 2S; MUSCULAR DYSTROPHY, LIMB-GIRDLE, AUTOSOMAL RECESSIVE 18. Identifiers: Orphanet 369840, MedGen C4517996, MONDO:0014144, OMIM 615356.

Allele frequency attached by ClinVar (database versions not stated): TOPMed below 0.00001; ExAC 0.00001; gnomAD 0.00001; gnomAD exomes 0.00002.
gnomAD v4.1: 32 of 1,613,536 alleles (0.002%); highest among the groups gnomAD compares: African/African-American, 0.0027%; no homozygotes.

Submission:

Labcorp Genetics (formerly Invitae), Labcorp
Classification: Uncertain significance for Autosomal recessive limb-girdle muscular dystrophy type R18. Last evaluated: 2021-12-30. Review status: criteria provided, single submitter. Criteria: Invitae Variant Classification Sherloc (09022015). Collection method: clinical testing. Allele origin: germline.
Comment: This sequence change replaces arginine, which is basic and polar, with glutamine, which is neutral and polar, at codon 533 of the TRAPPC11 protein (p.Arg533Gln). This variant is present in population databases (rs201440313, gnomAD 0.0009%). This variant has not been reported in the literature in individuals affected with TRAPPC11-related conditions. Algorithms developed to predict the effect of missense changes on protein structure and function (SIFT, PolyPhen-2, Align-GVGD) all suggest that this variant is likely to be tolerated. In summary, the available evidence is currently insufficient to determine the role of this variant in disease. Therefore, it has been classified as a Variant of Uncertain Significance.

NM_021942.6(TRAPPC11):c.1598G>A (p.Arg533Gln)

Gene: TRAPPC11 (trafficking protein particle complex subunit 11; plus strand). Cytogenetic location: 4q35.1.
Variant type: single nucleotide variant.
Coding change: c.1598G>A on transcript NM_021942.6 (MANE Select); coding-DNA position 1598, G replaced by A.
Protein change: p.Arg533Gln; replaces arginine 533 with glutamine.
Molecular consequence: missense variant.
Genome position (GRCh38, 1-based): chr4:183,685,114, G>A. VCF-style: chr4-183685114-G-A. GRCh37 (hg19) VCF-style: chr4-184606267-G-A.
Other names: c.1598G>A, p.Arg533Gln (NM_199053.3); short protein forms R533Q.
Identifiers: ClinVar variation 2051670 (VCV002051670.3), dbSNP rs201440313, ClinGen allele CA3151960.